The following is an entry in ClinVar:

NM_002471.4(MYH6):c.2129G>A (p.Gly710Asp)

Gene: MYH6 (myosin heavy chain 6; minus strand). Cytogenetic location: 14q11.2.
Variant type: single nucleotide variant.
Coding change: c.2129G>A on transcript NM_002471.4 (MANE Select); coding-DNA position 2129, G replaced by A.
Protein change: p.Gly710Asp; replaces glycine 710 with aspartic acid.
Molecular consequence: missense variant.
Genome position (GRCh38, 1-based): chr14:23,397,002, C>T on the plus strand (G>A on the coding strand, the complement: MYH6 is on the minus strand). VCF-style: chr14-23397002-C-T. GRCh37 (hg19) VCF-style: chr14-23866211-C-T.
Other names: short protein forms G710D.
Identifiers: ClinVar variation 4860569 (VCV004860569.1).

ClinVar aggregate classification (germline): Uncertain significance (1 of 4 stars; one submission).

Conditions:
Cardiovascular phenotype. Identifiers: MedGen CN230736.

Submission:

Ambry Genetics
Classification: Uncertain significance for Cardiovascular phenotype. Last evaluated: 2026-05-15. Review status: criteria provided, single submitter. Criteria: Ambry Variant Classification Scheme 2023. Collection method: clinical testing. Allele origin: germline.
Comment: The p.G710D variant (also known as c.2129G>A), located in coding exon 16 of the MYH6 gene, results from a G to A substitution at nucleotide position 2129. The glycine at codon 710 is replaced by aspartic acid, an amino acid with similar properties. This amino acid position is highly conserved in available vertebrate species. In addition, this alteration is predicted to be deleterious by in silico analysis. Based on the available evidence, the clinical significance of this variant remains unclear.